The following is an entry in ClinVar:

ClinVar aggregate classification (germline): Uncertain significance (1 of 4 stars; one submission).

Conditions:
Familial thoracic aortic aneurysm and aortic dissection (TAAD). Also called: Thoracic aortic aneurysms and dissections. Identifiers: Orphanet 91387, MedGen C4707243, MONDO:0019625.

gnomAD v4.1: 1 of 1,613,160 alleles (0.000062%); highest among the groups gnomAD compares: Non-Finnish European, 0.000085%; no homozygotes.

Submission:

Ambry Genetics
Classification: Uncertain significance for Familial thoracic aortic aneurysm and aortic dissection. Last evaluated: 2025-04-12. Review status: criteria provided, single submitter. Criteria: Ambry Variant Classification Scheme 2023. Collection method: clinical testing. Allele origin: germline.
Comment: The p.T476S variant (also known as c.1427C>G), located in coding exon 13 of the PRKG1 gene, results from a C to G substitution at nucleotide position 1427. The threonine at codon 476 is replaced by serine, an amino acid with similar properties. This amino acid position is conserved. In addition, the in silico prediction for this alteration is inconclusive. Based on the available evidence, the clinical significance of this variant remains unclear.

NM_006258.4(PRKG1):c.1427C>G (p.Thr476Ser)

Gene: PRKG1 (protein kinase cGMP-dependent 1; plus strand). Cytogenetic location: 10q21.1.
Variant type: single nucleotide variant.
Coding change: c.1427C>G on transcript NM_006258.4 (MANE Select); coding-DNA position 1427, C replaced by G.
Protein change: p.Thr476Ser; replaces threonine 476 with serine.
Molecular consequence: missense variant.
Genome position (GRCh38, 1-based): chr10:52,280,812, C>G. VCF-style: chr10-52280812-C-G. GRCh37 (hg19) VCF-style: chr10-54040572-C-G.
Other names: c.1382C>G, p.Thr461Ser (NM_001098512.3); c.218C>G, p.Thr73Ser (NM_001374781.1); short protein forms T476S, T461S, T73S.
Identifiers: ClinVar variation 3938219 (VCV003938219.1).